The following is an entry in ClinVar:

NM_000844.4(GRM7):c.122A>G (p.His41Arg)

Gene: GRM7 (glutamate metabotropic receptor 7; plus strand). Cytogenetic location: 3p26.1.
Variant type: single nucleotide variant.
Coding change: c.122A>G on transcript NM_000844.4 (MANE Select); coding-DNA position 122, A replaced by G.
Protein change: p.His41Arg; replaces histidine 41 with arginine.
Molecular consequence: missense variant.
Genome position (GRCh38, 1-based): chr3:6,861,510, A>G. VCF-style: chr3-6861510-A-G. GRCh37 (hg19) VCF-style: chr3-6903197-A-G.
Other names: c.122A>G, p.His41Arg (NM_181874.3); short protein forms H41R.
Identifiers: ClinVar variation 4882153 (VCV004882153.2).

ClinVar aggregate classification (germline): Uncertain significance (1 of 4 stars; one submission).

Conditions:
Neurodevelopmental disorder with seizures, hypotonia, and brain imaging abnormalities. Identifiers: MedGen C5394517, MONDO:0030063, OMIM 618922.

Submission:

Dasa
Classification: Uncertain significance for Neurodevelopmental disorder with seizures, hypotonia, and brain imaging abnormalities. Last evaluated: 2026-01-06. Review status: criteria provided, single submitter. Criteria: DASA Assertion Criteria. Collection method: clinical testing. Allele origin: germline.
Comment: NM_000844.4(GRM7):c.122A>G (p.His41Arg) is a missense variant that results in the substitution of histidine with arginine. This variant is rare in population databases. The currently available literature and clinical evidence are not sufficient to establish a definitive association between this variant and the reported condition. Therefore, this variant is classified as a variant of uncertain significance.